The following is an entry in ClinVar:

ClinVar aggregate classification (germline): Likely benign (0 of 4 stars; one submission).

Conditions:
AXL-related disorder. Also called: AXL-related condition.

Submission:

PreventionGenetics, part of Exact Sciences
Classification: Likely benign for AXL-related condition. Last evaluated: 2019-09-18. Review status: no assertion criteria provided. Collection method: clinical testing. Allele origin: germline.
Comment: This variant is classified as likely benign based on ACMG/AMP sequence variant interpretation guidelines (Richards et al. 2015 PMID: 25741868, with internal and published modifications).

NM_021913.5(AXL):c.410-7C>T

Gene: AXL (AXL receptor tyrosine kinase; plus strand). Cytogenetic location: 19q13.2.
Variant type: single nucleotide variant.
Coding change: c.410-7C>T on transcript NM_021913.5 (MANE Select); 7 bases into the intron before coding-DNA position 410, C replaced by T.
Molecular consequence: intron variant.
Genome position (GRCh38, 1-based): chr19:41,221,873, C>T. VCF-style: chr19-41221873-C-T. GRCh37 (hg19) VCF-style: chr19-41727778-C-T.
Other names: c.410-7C>T (NM_001699.6).
Identifiers: ClinVar variation 3040378 (VCV003040378.2), dbSNP rs2122198379, ClinGen allele CA2735930416.
Genomic context (GRCh38, chr19:41,221,873, plus strand): 5'-TAGTGGTGAGTCAGGCATCTTGGGGCCTCAGAGGGACCCCAGCCTCTACCACTGCCCACC[C>T]CGCTAGGCTTGCCTTACTTCCTGGAGGAGCCCGAAGACAGGACTGTGGCCGCCAACACCC-3'